The following is an entry in ClinVar:

ClinVar aggregate classification (germline): Uncertain significance (1 of 4 stars; one submission).

Allele frequency attached by ClinVar (database versions not stated): 1000 Genomes Project 0.00026; 1000 Genomes Project 30x 0.00021; TOPMed below 0.00001; gnomAD 0.00003; gnomAD exomes 0.00004; ExAC 0.00007.
gnomAD v4.1: 45 of 1,205,521 alleles (0.0037%); highest among the groups gnomAD compares: East Asian, 0.0089%; no homozygotes.

Submission:

Labcorp Genetics (formerly Invitae), Labcorp
Classification: Uncertain significance. Last evaluated: 2025-07-02. Review status: criteria provided, single submitter. Criteria: Invitae Variant Classification Sherloc (09022015). Collection method: clinical testing. Allele origin: germline.
Comment: This sequence change replaces alanine, which is neutral and non-polar, with valine, which is neutral and non-polar, at codon 6 of the CLCN4 protein (p.Ala6Val). The frequency data for this variant in the population databases is considered unreliable, as metrics indicate poor data quality at this position in the gnomAD database. This variant has not been reported in the literature in individuals affected with CLCN4-related conditions. ClinVar contains an entry for this variant (Variation ID: 1959359). An algorithm developed to predict the effect of missense changes on protein structure and function outputs the following: PolyPhen-2: "Benign". The valine amino acid residue is found in multiple mammalian species, which suggests that this missense change does not adversely affect protein function. In summary, the available evidence is currently insufficient to determine the role of this variant in disease. Therefore, it has been classified as a Variant of Uncertain Significance.

NM_001830.4(CLCN4):c.17C>T (p.Ala6Val)

Gene: CLCN4 (Cl-/H+ antiporter 4; plus strand). Cytogenetic location: Xp22.2.
Variant type: single nucleotide variant.
Coding change: c.17C>T on transcript NM_001830.4 (MANE Select); coding-DNA position 17, C replaced by T.
Protein change: p.Ala6Val; replaces alanine 6 with valine.
Molecular consequence: missense variant. On other transcripts: intron variant (1).
Genome position (GRCh38, 1-based): chrX:10,185,049, C>T. VCF-style: chrX-10185049-C-T. GRCh37 (hg19) VCF-style: chrX-10153089-C-T.
Other names: c.-38-9862C>T (NM_001256944.2); short protein forms A6V.
Identifiers: ClinVar variation 1959359 (VCV001959359.5), dbSNP rs184474252, ClinGen allele CA10346992.
Genomic context (GRCh38, chrX:10,185,049, plus strand): 5'-CTCATGTCTTTAACGACCGGTTTTCTTGCCCAGGTGTAATTAGCATGGTCAATGCGGGAG[C>T]GATGAGTGGCTCTGGAAACCTGATGGATTTCCTCGATGAGCCGTTCCCTGATGTGGGGAC-3'
Protein context (NP_001821.2, residues 1-16): MVNAG[Ala6Val]MSGSGNLMDF